The following is an entry in ClinVar:

ClinVar aggregate classification (germline): Pathogenic. Review status: criteria provided, multiple submitters, no conflicts (2 of 4 stars). 12 submissions from 12 submitters: Pathogenic (11). 1 of the submissions does not count toward it. Last evaluated 2026-09-08.

Conditions:
GLA-related disorder. Also called: GLA-related condition.
Fabry disease. Also called: Ceramide trihexosidosis; Fabry's disease; CERAMIDE TRIHEXOSIDASE DEFICIENCY; GLA DEFICIENCY; HEREDITARY DYSTOPIC LIPIDOSIS; ALPHA-GALACTOSIDASE A DEFICIENCY. Identifiers: Orphanet 324, MedGen C0002986, MONDO:0010526, OMIM 301500, HP:0001071. Disease mechanism: Fabry disease is due to inactivating mutations in the X-linked GLA gene resulting in deficiency of the enzyme Alpha Galactosidase-A., loss of function.

Allele frequency attached by ClinVar (database versions not stated): TOPMed below 0.00001; gnomAD 0.00001.

Submissions (12):

Genomenon, Inc
Classification: Pathogenic for Fabry disease. Last evaluated: 2026-09-08. Review status: criteria provided, single submitter. Criteria: Genomenon Sequence Variant Interpretation Standards - Updated. Collection method: curation. Allele origin: germline. Affected: yes.
Comment: GLA p.Arg227Ter (c.679C>T) is a nonsense variant that introduces a premature stop codon at amino acid position 227 and is predicted to result in a truncated or absent protein product. This variant has been observed in at least one proband with clinical features consistent with Fabry disease (PMID:18205205;26362204;31542871;15243806;30468909;31411008;17656478;17206462;23474038). The variant was found to segregate with disease in at least one affected family (PMID:26362204;31542871;15243806;30468909;31411008;17656478;17206462). At least one functional study has demonstrated a substantial alteration in protein function relative to the wild-type (PMID:18205205;23474038). It is absent or not present at a significant frequency in gnomAD. In conclusion, we classify GLA p.Arg227Ter (c.679C>T) as a pathogenic variant.

Serv. Biochemistry and Molecular genetics, Hospital Clinic de Barcelona, Hospital Clínic de Barcelona
Classification: Pathogenic for Fabry disease. Last evaluated: 2026-05-21. Review status: criteria provided, single submitter. Criteria: ACMG Guidelines, 2015. Collection method: clinical testing. Allele origin: germline. Inheritance: X-linked inheritance. Affected: yes. Observed: 1 variant allele.
Comment: Classification reported in the manuscript using ACMG criteria/in silico tools: Pathogenic. Variant type: Nonsense; amino acid change: p.Arg227Ter. Criteria: PVS1, PM2, PS3, PS4,

Labcorp Genetics (formerly Invitae), Labcorp
Classification: Pathogenic for Fabry disease. Last evaluated: 2025-10-07. Review status: criteria provided, single submitter. Criteria: Invitae Variant Classification Sherloc (09022015). Collection method: clinical testing. Allele origin: germline.
Comment: This sequence change creates a premature translational stop signal (p.Arg227*) in the GLA gene. It is expected to result in an absent or disrupted protein product. Loss-of-function variants in GLA are known to be pathogenic (PMID: 10666480, 12175777). This variant is not present in population databases (gnomAD no frequency). This premature translational stop signal has been observed in individual(s) with Fabry disease and hypertrophic cardiomyopathy (PMID: 8395937, 18205205, 25439755, 26047621). ClinVar contains an entry for this variant (Variation ID: 10733). Algorithms developed to predict the effect of sequence changes on RNA splicing suggest that this variant may disrupt the consensus splice site. For these reasons, this variant has been classified as Pathogenic.

Revvity Omics, Revvity
Classification: Pathogenic. Last evaluated: 2025-08-05. Review status: criteria provided, single submitter. Criteria: ACMG Guidelines, 2015. Collection method: clinical testing. Allele origin: germline.

Myriad Genetics, Inc.
Classification: Pathogenic for Fabry disease. Last evaluated: 2025-06-04. Review status: criteria provided, single submitter. Criteria: Myriad Autosomal Dominant, Autosomal Recessive and X-Linked Classification Criteria (2023). Collection method: clinical testing. Allele origin: unknown.
Comment: NM_000169.2(GLA):c.679C>T(R227*) is a nonsense variant classified as pathogenic in the context of Fabry disease. R227* has been observed in cases with relevant disease (PMID: 8395937, 12428061, 18205205, 25974833). Relevant functional assessments of this variant are available in the literature (PMID: 18205205, 23474038). R227* has not been observed in referenced population frequency databases. In summary, NM_000169.2(GLA):c.679C>T(R227*) is a nonsense variant in a gene where loss of function is a known mechanism of disease and is predicted to disrupt protein function. Please note: this variant was assessed in the context of healthy population screening.

Blueprint Genetics
Classification: Pathogenic for GLA-related disorders. Last evaluated: 2023-09-07. Review status: criteria provided, single submitter. Criteria: ACMG Guidelines, 2015. Collection method: clinical testing. Allele origin: germline. Affected: yes. Observed: 2 variant alleles.

Genome-Nilou Lab
Classification: Pathogenic for Fabry disease. Last evaluated: 2021-07-15. Review status: criteria provided, single submitter. Criteria: ACMG Guidelines, 2015. Collection method: clinical testing. Allele origin: germline. Affected: no.

Fulgent Genetics
Classification: Pathogenic for Fabry disease. Last evaluated: 2021-07-13. Review status: criteria provided, single submitter. Criteria: ACMG Guidelines, 2015. Collection method: clinical testing. Allele origin: unknown.

GeneDx
Classification: Pathogenic. Last evaluated: 2021-02-03. Review status: criteria provided, single submitter. Criteria: GeneDx Variant Classification Process June 2021. Collection method: clinical testing. Allele origin: germline. Affected: yes.
Comment: Nonsense variant predicted to result in protein truncation or nonsense mediated decay in a gene for which loss-of-function is a known mechanism of disease; Published functional studies demonstrate this variant reduced GLA activity to 2% of controls (Shimotori et al., 2008); Not observed in large population cohorts (Lek et al., 2016); This variant is associated with the following publications: (PMID: 25974833, 18205205, 25439755, 23935525, 25525159, 26047621, 28728877, 31542871, 8395937, 30477121, 31411008, 33072517, 33204599, 33673806)

Women's Health and Genetics/Laboratory Corporation of America, LabCorp
Classification: Pathogenic for Fabry disease. Last evaluated: 2020-08-21. Review status: criteria provided, single submitter. Criteria: LabCorp Variant Classification Summary - May 2015. Collection method: clinical testing. Allele origin: germline.
Comment: Variant summary: GLA c.679C>T (p.Arg227X) results in a premature termination codon, predicted to cause a truncation of the encoded protein or absence of the protein due to nonsense mediated decay, which are commonly known mechanisms for disease. Truncations downstream of this position have been classified as pathogenic by our laboratory. The variant was absent in 183590 control chromosomes (gnomAD and publication data). c.679C>T has been reported in the literature in multiple individuals affected with Fabry Disease (Ashley_2001, Davies_1993, Germain_2002, Gomez_2012, Nakano_2013, Giugliani_2013). These data indicate that the variant is very likely to be associated with disease. Three ClinVar submitters (evaluation after 2014) cite the variant as pathogenic. Based on the evidence outlined above, the variant was classified as pathogenic.

Eurofins Ntd Llc (ga)
Classification: Pathogenic. Last evaluated: 2018-05-08. Review status: criteria provided, single submitter. Criteria: EGL ClinVar v180209 classification definitions. Collection method: clinical testing. Allele origin: germline. Observed: 30 variant alleles, 19 heterozygotes, 3 homozygotes, 8 hemizygotes.

OMIM
Classification: Pathogenic for FABRY DISEASE. Last evaluated: 1993-12-01. Review status: no assertion criteria provided. Collection method: literature only. Allele origin: germline. Not counted in ClinVar's aggregate classification.

Literature cited by the submitters: PubMed 18205205 (cited by 3 submitters); PubMed 26362204 (cited by Genomenon, Inc); PubMed 31542871 (cited by Genomenon, Inc); PubMed 15243806 (cited by Genomenon, Inc); PubMed 30468909 (cited by Genomenon, Inc); PubMed 31411008 (cited by Genomenon, Inc); PubMed 17656478 (cited by Genomenon, Inc); PubMed 17206462 (cited by Genomenon, Inc); PubMed 23474038 (cited by 3 submitters); PubMed 23935525 (cited by Serv. Biochemistry and Molecular genetics, Hospital Clinic de Barcelona, Hospital Clínic de Barcelona and Eurofins Ntd Llc (ga)); PubMed 25439755 (cited by 3 submitters); PubMed 25525159 (cited by Serv. Biochemistry and Molecular genetics, Hospital Clinic de Barcelona, Hospital Clínic de Barcelona and Eurofins Ntd Llc (ga)); PubMed 26047621 (cited by 3 submitters); PubMed 8395937 (cited by 6 submitters); PubMed 10666480 (cited by Labcorp Genetics (formerly Invitae), Labcorp); PubMed 12175777 (cited by Labcorp Genetics (formerly Invitae), Labcorp); PubMed 12428061 (cited by Myriad Genetics, Inc. and Women's Health and Genetics/Laboratory Corporation of America, LabCorp); PubMed 25974833 (cited by Myriad Genetics, Inc.); PubMed 24236025 (cited by Women's Health and Genetics/Laboratory Corporation of America, LabCorp); PubMed 22378313 (cited by Women's Health and Genetics/Laboratory Corporation of America, LabCorp); PubMed 11322659 (cited by Women's Health and Genetics/Laboratory Corporation of America, LabCorp); PubMed 7504405 (cited by OMIM).

NM_000169.3(GLA):c.679C>T (p.Arg227Ter)

Genes: GLA (galactosidase alpha; minus strand), RPL36A-HNRNPH2 (RPL36A-HNRNPH2 readthrough; plus strand). Cytogenetic location: Xq22.1.
Variant type: single nucleotide variant.
Coding change: c.679C>T on transcript NM_000169.3 (MANE Select); coding-DNA position 679, C replaced by T.
Protein change: p.Arg227Ter; replaces arginine 227 with a stop codon.
Molecular consequence: nonsense. On other transcripts: non-coding transcript variant (3), intron variant (2).
Genome position (GRCh38, 1-based): chrX:101,398,907, G>A on the plus strand (C>T on the coding strand, the complement: GLA is on the minus strand). VCF-style: chrX-101398907-G-A. GRCh37 (hg19) VCF-style: chrX-100653895-G-A.
Other names: NP_000160.1:p.Arg227*; p.R227*:CGA>TGA; c.802C>T, p.Arg268Ter (NM_001406747.1); c.679C>T, p.Arg227Ter (NM_001406748.1); c.300+3450G>A (NM_001199973.2); c.177+7085G>A (NM_001199974.2); short protein forms R227*, R268*.
Identifiers: ClinVar variation 10733 (VCV000010733.28), dbSNP rs104894841, ClinGen allele CA021963.